The following is an entry in ClinVar:

ClinVar aggregate classification (germline): Uncertain significance (1 of 4 stars; one submission).

Conditions:
Multiple endocrine neoplasia type 4. Also called: MULTIPLE ENDOCRINE NEOPLASIA, TYPE IV. Identifiers: Orphanet 276152, MedGen C1970712, MONDO:0012552, OMIM 610755.

Submission:

Labcorp Genetics (formerly Invitae), Labcorp
Classification: Uncertain significance for Multiple endocrine neoplasia type 4. Last evaluated: 2022-02-25. Review status: criteria provided, single submitter. Criteria: Invitae Variant Classification Sherloc (09022015). Collection method: clinical testing. Allele origin: germline.
Comment: In summary, the available evidence is currently insufficient to determine the role of this variant in disease. Therefore, it has been classified as a Variant of Uncertain Significance. Algorithms developed to predict the effect of sequence changes on RNA splicing suggest that this variant may disrupt the consensus splice site. ClinVar contains an entry for this variant (Variation ID: 999828). This variant has not been reported in the literature in individuals affected with CDKN1B-related conditions. This variant is not present in population databases (gnomAD no frequency). This sequence change falls in intron 1 of the CDKN1B gene. It does not directly change the encoded amino acid sequence of the CDKN1B protein.

NM_004064.5(CDKN1B):c.476-7C>A

Gene: CDKN1B (cyclin dependent kinase inhibitor 1B; plus strand). Cytogenetic location: 12p13.1.
Variant type: single nucleotide variant.
Coding change: c.476-7C>A on transcript NM_004064.5 (MANE Select); 7 bases into the intron before coding-DNA position 476, C replaced by A.
Molecular consequence: intron variant.
Genome position (GRCh38, 1-based): chr12:12,718,818, C>A. VCF-style: chr12-12718818-C-A. GRCh37 (hg19) VCF-style: chr12-12871752-C-A.
Identifiers: ClinVar variation 999828 (VCV000999828.8), dbSNP rs1240754760, ClinGen allele CA2017048193.